The following is an entry in ClinVar:

NM_000035.4(ALDOB):c.*513G>A

Gene: ALDOB (aldolase, fructose-bisphosphate B; minus strand). Cytogenetic location: 9q31.1.
Variant type: single nucleotide variant.
Coding change: c.*513G>A on transcript NM_000035.4 (MANE Select); 513 bases downstream of the stop codon, G replaced by A.
Molecular consequence: 3 prime UTR variant.
Genome position (GRCh38, 1-based): chr9:101,421,296, C>T on the plus strand (G>A on the coding strand, the complement: ALDOB is on the minus strand). VCF-style: chr9-101421296-C-T. GRCh37 (hg19) VCF-style: chr9-104183578-C-T.
Identifiers: ClinVar variation 3030740 (VCV003030740.2), dbSNP rs748992077, ClinGen allele CA196955564.
Genomic context (GRCh38, chr9:101,421,296, plus strand): 5'-TTTTGCGGCTTGATTCCAATGACTAGCAAGAGTTGAAGACCTTTACTGTTGAAACCCAGT[C>T]ATGTCTAGTAGAGTCAAAAGTAATGAAATACACTGAGTCTTTGGACAGCAAGAGCAGAAA-3'

ClinVar aggregate classification (germline): Likely benign (0 of 4 stars; one submission).

Conditions:
ALDOB-related disorder. Also called: ALDOB-related condition.

Allele frequency attached by ClinVar (database versions not stated): gnomAD exomes 0.00003; gnomAD 0.00005; TOPMed 0.00007; 1000 Genomes Project 30x 0.00016.

Submission:

PreventionGenetics, part of Exact Sciences
Classification: Likely benign for ALDOB-related condition. Last evaluated: 2022-06-21. Review status: no assertion criteria provided. Collection method: clinical testing. Allele origin: germline.
Comment: This variant is classified as likely benign based on ACMG/AMP sequence variant interpretation guidelines (Richards et al. 2015 PMID: 25741868, with internal and published modifications).